The following is an entry in ClinVar:

NM_152722.5(HEPACAM):c.128T>A (p.Ile43Asn)

Gene: HEPACAM (hepatic and glial cell adhesion molecule; minus strand). Cytogenetic location: 11q24.2.
Variant type: single nucleotide variant.
Coding change: c.128T>A on transcript NM_152722.5 (MANE Select); coding-DNA position 128, T replaced by A.
Protein change: p.Ile43Asn; replaces isoleucine 43 with asparagine.
Molecular consequence: missense variant.
Genome position (GRCh38, 1-based): chr11:124,925,027, A>T on the plus strand (T>A on the coding strand, the complement: HEPACAM is on the minus strand). VCF-style: chr11-124925027-A-T. GRCh37 (hg19) VCF-style: chr11-124794923-A-T.
Other names: c.128T>A (NM_152722.4); short protein forms I43N.
Identifiers: ClinVar variation 638399 (VCV000638399.13), dbSNP rs781030435, ClinGen allele CA6345809.

ClinVar aggregate classification (germline): Uncertain significance. Review status: criteria provided, multiple submitters, no conflicts (2 of 4 stars). 6 submissions from 5 submitters: Uncertain significance (6). Last evaluated 2025-10-08.

Conditions:
Inborn genetic diseases. Identifiers: MedGen C0950123, MeSH D030342.
Megalencephalic leukoencephalopathy with subcortical cysts 2A. Identifiers: Orphanet 2478, MedGen C3151355, MONDO:0013490, OMIM 613925.
Megalencephalic leukoencephalopathy with subcortical cysts 2B, remitting, with or without impaired intellectual development. Also called: Megalencephalic leukoencephalopathy with subcortical cysts 2B, remitting, with or without intellectual disability. Identifiers: Orphanet 2478, MedGen C3151356, MONDO:0013491, OMIM 613926.

Allele frequency attached by ClinVar (database versions not stated): gnomAD exomes 0.00004; TOPMed 0.00006; ExAC 0.00004; gnomAD 0.00005 and 0.00006.

Submissions (6):

Labcorp Genetics (formerly Invitae), Labcorp
Classification: Uncertain significance. Last evaluated: 2025-10-08. Review status: criteria provided, single submitter. Criteria: Invitae Variant Classification Sherloc (09022015). Collection method: clinical testing. Allele origin: germline.
Comment: This sequence change replaces isoleucine, which is neutral and non-polar, with asparagine, which is neutral and polar, at codon 43 of the HEPACAM protein (p.Ile43Asn). This variant is present in population databases (rs781030435, gnomAD 0.01%). This missense change has been observed in individual(s) with megalencephalic leukoencephalopathy with subcortical cysts (PMID: 38487253). ClinVar contains an entry for this variant (Variation ID: 638399). Invitae Evidence Modeling of protein sequence and biophysical properties (such as structural, functional, and spatial information, amino acid conservation, physicochemical variation, residue mobility, and thermodynamic stability) has been performed for this missense variant. However, the output from this modeling did not meet the statistical confidence thresholds required to predict the impact of this variant on HEPACAM protein function. In summary, the available evidence is currently insufficient to determine the role of this variant in disease. Therefore, it has been classified as a Variant of Uncertain Significance.

Ambry Genetics
Classification: Uncertain significance for Inborn genetic diseases. Last evaluated: 2022-10-26. Review status: criteria provided, single submitter. Criteria: Ambry Variant Classification Scheme 2023. Collection method: clinical testing. Allele origin: germline.

GeneDx
Classification: Uncertain significance. Last evaluated: 2022-08-04. Review status: criteria provided, single submitter. Criteria: GeneDx Variant Classification Process June 2021. Collection method: clinical testing. Allele origin: germline. Affected: yes.
Comment: In silico analysis supports that this missense variant has a deleterious effect on protein structure/function; Has not been previously published as pathogenic or benign to our knowledge

Blueprint Genetics
Classification: Uncertain significance. Last evaluated: 2019-11-26. Review status: criteria provided, single submitter. Criteria: ACMG Guidelines, 2015. Collection method: clinical testing. Allele origin: germline.

Genomic Research Center, Shahid Beheshti University of Medical Sciences
Classification: Uncertain significance for Megalencephalic leukoencephalopathy with subcortical cysts 2b, remitting, with or without mental retardation. Last evaluated: 2019-04-27. Review status: criteria provided, single submitter. Criteria: ACMG Guidelines, 2015. Collection method: clinical testing. Allele origin: unknown. Affected: yes.

Genomic Research Center, Shahid Beheshti University of Medical Sciences
Classification: Uncertain significance for Megalencephalic leukoencephalopathy with subcortical cysts 2a. Last evaluated: 2019-04-27. Review status: criteria provided, single submitter. Criteria: ACMG Guidelines, 2015. Collection method: clinical testing. Allele origin: unknown. Affected: yes.

Literature cited by the submitters: PubMed 38487253 (cited by Labcorp Genetics (formerly Invitae), Labcorp).